The following is an entry in ClinVar:

NM_018263.6(ASXL2):c.4234G>C (p.Gly1412Arg)

Gene: ASXL2 (ASXL transcriptional regulator 2; minus strand). Cytogenetic location: 2p23.3.
Variant type: single nucleotide variant.
Coding change: c.4234G>C on transcript NM_018263.6 (MANE Select); coding-DNA position 4234, G replaced by C.
Protein change: p.Gly1412Arg; replaces glycine 1412 with arginine.
Molecular consequence: missense variant.
Genome position (GRCh38, 1-based): chr2:25,742,103, C>G on the plus strand (G>C on the coding strand, the complement: ASXL2 is on the minus strand). VCF-style: chr2-25742103-C-G. GRCh37 (hg19) VCF-style: chr2-25964972-C-G.
Other names: c.3454G>C, p.Gly1152Arg (NM_001369347.1); c.4060G>C, p.Gly1354Arg (NM_001369346.1); short protein forms G1152R, G1354R, G1412R.
Identifiers: ClinVar variation 1703089 (VCV001703089.3), dbSNP rs2087838550, ClinGen allele CA346073597.

ClinVar aggregate classification (germline): Uncertain significance (1 of 4 stars; one submission).

Conditions:
Shashi-Pena syndrome (SHAPNS). Identifiers: Orphanet 689408, MedGen C4310672, MONDO:0014963, OMIM 617190.

Allele frequency attached by ClinVar (database versions not stated): gnomAD 0.00001.
gnomAD v4.1: 1 of 1,613,950 alleles (0.000062%); highest among the groups gnomAD compares: African/African-American, 0.0013%; no homozygotes.

Submission:

Greenwood Genetic Center Diagnostic Laboratories, Greenwood Genetic Center
Classification: Uncertain significance for Shashi-Pena syndrome. Last evaluated: 2022-04-08. Review status: criteria provided, single submitter. Criteria: ACMG Guidelines, 2015. Collection method: clinical testing. Allele origin: germline. Affected: yes.
Comment: PM2, BS2